The following is an entry in ClinVar:

ClinVar aggregate classification (germline): Uncertain significance (1 of 4 stars; one submission).

Conditions:
Congenital insensitivity to pain-hypohidrosis syndrome. Also called: HSAN VIII; Neuropathy, hereditary sensory and autonomic, type VIII. Identifiers: Orphanet 478664, MedGen C4225308, MONDO:0014662, OMIM 616488.

gnomAD v4.1: 1 of 1,182,532 alleles (0.000085%); highest among the groups gnomAD compares: Non-Finnish European, 0.0001%; no homozygotes.

Submission:

Labcorp Genetics (formerly Invitae), Labcorp
Classification: Uncertain significance for Congenital insensitivity to pain-hypohidrosis syndrome. Last evaluated: 2022-05-26. Review status: criteria provided, single submitter. Criteria: Invitae Variant Classification Sherloc (09022015). Collection method: clinical testing. Allele origin: germline.
Comment: In summary, the available evidence is currently insufficient to determine the role of this variant in disease. Therefore, it has been classified as a Variant of Uncertain Significance. Algorithms developed to predict the effect of missense changes on protein structure and function are either unavailable or do not agree on the potential impact of this missense change (SIFT: "Tolerated"; PolyPhen-2: "Not Available"; Align-GVGD: "Class C0"). This variant has not been reported in the literature in individuals affected with PRDM12-related conditions. The frequency data for this variant in the population databases is considered unreliable, as metrics indicate insufficient coverage at this position in the gnomAD database. This sequence change replaces proline, which is neutral and non-polar, with histidine, which is basic and polar, at codon 338 of the PRDM12 protein (p.Pro338His).

NM_021619.3(PRDM12):c.1013C>A (p.Pro338His)

Gene: PRDM12 (PR/SET domain 12; plus strand). Cytogenetic location: 9q34.12.
Variant type: single nucleotide variant.
Coding change: c.1013C>A on transcript NM_021619.3 (MANE Select); coding-DNA position 1013, C replaced by A.
Protein change: p.Pro338His; replaces proline 338 with histidine.
Molecular consequence: missense variant.
Genome position (GRCh38, 1-based): chr9:130,681,578, C>A. VCF-style: chr9-130681578-C-A. GRCh37 (hg19) VCF-style: chr9-133556965-C-A.
Other names: short protein forms P338H.
Identifiers: ClinVar variation 1999173 (VCV001999173.4), dbSNP rs1830902526, ClinGen allele CA375245177.
Genomic context (GRCh38, chr9:130,681,578, plus strand): 5'-AGAAGAGCGCGCGGCACCGGCCGCCCAGCACCGCGCTGCAGGCACACTCGCCCGCGCTGC[C>A]CGCCCCGCACGCGCACGCGCCCGCGCTCGCCGCCGCCGCCGCCGCCGCCGCCGCCGCCGC-3'
Protein context (NP_067632.2, residues 328-348): TALQAHSPAL[Pro338His]APHAHAPALA